The following is an entry in ClinVar:

ClinVar aggregate classification (germline): Pathogenic (1 of 4 stars; one submission).

Submission:

Labcorp Genetics (formerly Invitae), Labcorp
Classification: Pathogenic. Last evaluated: 2022-08-16. Review status: criteria provided, single submitter. Criteria: Invitae Variant Classification Sherloc (09022015). Collection method: clinical testing. Allele origin: germline.
Comment: This sequence change creates a premature translational stop signal (p.Lys373Asnfs*6) in the RCBTB1 gene. It is expected to result in an absent or disrupted protein product. Loss-of-function variants in RCBTB1 are known to be pathogenic (PMID: 31494449). This variant is not present in population databases (gnomAD no frequency). This variant has not been reported in the literature in individuals affected with RCBTB1-related conditions. ClinVar contains an entry for this variant (Variation ID: 1456024). For these reasons, this variant has been classified as Pathogenic.

Literature cited by the submitters: PubMed 31494449.

NM_018191.4(RCBTB1):c.1115_1118dup (p.Lys373fs)

Gene: RCBTB1 (RCC1 and BTB domain containing protein 1; minus strand). Cytogenetic location: 13q14.2.
Variant type: Duplication.
Coding change: c.1115_1118dup on transcript NM_018191.4 (MANE Select); coding-DNA positions 1115 to 1118, 4 bases duplicated (TGAA; older notation c.1115_1118dupTGAA).
Protein change: p.Lys373fs; shifts the reading frame from lysine 373.
Molecular consequence: frameshift variant. On other transcripts: non-coding transcript variant (2).
Genome position (GRCh38, 1-based): chr13:49,544,791-49,544,794, TTCA duplicated on the plus strand (TGAA on the coding strand, the reverse complement: RCBTB1 is on the minus strand). VCF-style (leftmost placement, unchanged base first): chr13-49544790-C-CTTCA. GRCh37 (hg19) VCF-style: chr13-50118926-C-CTTCA.
Other names: c.1115_1118dup, p.Lys373fs (NM_001352500.2, NM_001352501.2, NM_001352502.2 and 2 more transcripts); c.536_539dup, p.Lys180fs (NM_001352506.2); short protein forms K373fs, K180fs.
Identifiers: ClinVar variation 1456024 (VCV001456024.6), dbSNP rs2139148499, ClinGen allele CA2573149637.